The following is an entry in ClinVar:

NM_005222.4(DLX6):c.89A>G (p.Gln30Arg)

Genes: DLX6 (distal-less homeobox 6; plus strand), DLX6-AS1 (DLX6 antisense RNA 1; minus strand). Cytogenetic location: 7q21.3.
Variant type: single nucleotide variant.
Coding change: c.89A>G on transcript NM_005222.4 (MANE Select); coding-DNA position 89, A replaced by G.
Protein change: p.Gln30Arg; replaces glutamine 30 with arginine.
Molecular consequence: missense variant.
Genome position (GRCh38, 1-based): chr7:97,006,066, A>G. VCF-style: chr7-97006066-A-G. GRCh37 (hg19) VCF-style: chr7-96635378-A-G.
Other names: short protein forms Q30R.
Identifiers: ClinVar variation 3666417 (VCV003666417.2).

ClinVar aggregate classification (germline): Uncertain significance (1 of 4 stars; one submission).

gnomAD v4.1: 83 of 1,577,928 alleles (0.0053%); highest among the groups gnomAD compares: Middle Eastern, 0.017%; no homozygotes.

Submission:

Labcorp Genetics (formerly Invitae), Labcorp
Classification: Uncertain significance. Last evaluated: 2024-03-18. Review status: criteria provided, single submitter. Criteria: Invitae Variant Classification Sherloc (09022015). Collection method: clinical testing. Allele origin: germline.
Comment: This sequence change replaces glutamine, which is neutral and polar, with arginine, which is basic and polar, at codon 30 of the DLX6 protein (p.Gln30Arg). The frequency data for this variant in the population databases is considered unreliable, as metrics indicate poor data quality at this position in the gnomAD database. This variant has not been reported in the literature in individuals affected with DLX6-related conditions. An algorithm developed to predict the effect of missense changes on protein structure and function (PolyPhen-2) suggests that this variant is likely to be tolerated. In summary, the available evidence is currently insufficient to determine the role of this variant in disease. Therefore, it has been classified as a Variant of Uncertain Significance.